The following is an entry in ClinVar:

NM_001283009.2(RTEL1):c.1286C>T (p.Ala429Val)

Genes: RTEL1 (regulator of telomere elongation helicase 1; plus strand), RTEL1-TNFRSF6B (RTEL1-TNFRSF6B readthrough (NMD candidate); plus strand). Cytogenetic location: 20q13.33.
Variant type: single nucleotide variant.
Coding change: c.1286C>T on transcript NM_001283009.2 (MANE Select); coding-DNA position 1286, C replaced by T.
Protein change: p.Ala429Val; replaces alanine 429 with valine.
Molecular consequence: missense variant. On other transcripts: non-coding transcript variant (1).
Genome position (GRCh38, 1-based): chr20:63,685,810, C>T. VCF-style: chr20-63685810-C-T. GRCh37 (hg19) VCF-style: chr20-62317163-C-T.
Other names: c.617C>T, p.Ala206Val (NM_001283010.1); c.1286C>T, p.Ala429Val (NM_016434.4); c.1358C>T, p.Ala453Val (NM_032957.5); short protein forms A206V, A429V, A453V.
Identifiers: ClinVar variation 4076939 (VCV004076939.2).

ClinVar aggregate classification (germline): Uncertain significance. Review status: criteria provided, multiple submitters, no conflicts (2 of 4 stars). 2 submissions from 2 submitters: Uncertain significance (2). Last evaluated 2026-01-03.

Conditions:
Dyskeratosis congenita, autosomal recessive 5 (DKCB5). Identifiers: MedGen C3554656, MONDO:0014076, OMIM 615190.
Pulmonary fibrosis and/or bone marrow failure, Telomere-related, 3. Also called: PULMONARY FIBROSIS AND/OR BONE MARROW FAILURE SYNDROME, TELOMERE-RELATED, 3. Identifiers: Orphanet 2032, MedGen C4225346, MONDO:0014613, OMIM 616373.

gnomAD v4.1: 48 of 1,612,398 alleles (0.003%); highest among the groups gnomAD compares: Non-Finnish European, 0.0041%; no homozygotes.

Submissions (2):

Labcorp Genetics (formerly Invitae), Labcorp
Classification: Uncertain significance for Dyskeratosis congenita, autosomal recessive 5; Pulmonary fibrosis and/or bone marrow failure, Telomere-related, 3. Last evaluated: 2026-01-03. Review status: criteria provided, single submitter. Criteria: Invitae Variant Classification Sherloc (09022015). Collection method: clinical testing. Allele origin: germline.
Comment: This sequence change replaces alanine, which is neutral and non-polar, with valine, which is neutral and non-polar, at codon 429 of the RTEL1 protein (p.Ala429Val). The frequency data for this variant in the population databases is considered unreliable, as metrics indicate poor data quality at this position in the gnomAD database. This variant has not been reported in the literature in individuals affected with RTEL1-related conditions. ClinVar contains an entry for this variant (Variation ID: 4076939). An algorithm developed to predict the effect of missense changes on protein structure and function outputs the following: PolyPhen-2: "Benign". The valine amino acid residue is found in multiple mammalian species, which suggests that this missense change does not adversely affect protein function. In summary, the available evidence is currently insufficient to determine the role of this variant in disease. Therefore, it has been classified as a Variant of Uncertain Significance.

GeneDx
Classification: Uncertain significance. Last evaluated: 2025-02-23. Review status: criteria provided, single submitter. Criteria: GeneDx Variant Classification Process June 2021. Collection method: clinical testing. Allele origin: germline. Affected: yes.
Comment: Not observed at significant frequency in large population cohorts (gnomAD); In silico analysis indicates that this missense variant does not alter protein structure/function; Has not been previously published as pathogenic or benign to our knowledge